The following is an entry in ClinVar:

ClinVar aggregate classification (germline): Likely benign. Review status: criteria provided, multiple submitters, no conflicts (2 of 4 stars). 2 submissions from 2 submitters: Likely benign (2). Last evaluated 2026-01-11.

Conditions:
SLMAP-related disorder. Also called: SLMAP-related condition.
Brugada syndrome. Also called: Sudden unexpected nocturnal death syndrome; Sudden unexplained nocturnal death syndrome; Sudden Unexplained Death Syndrome; Sudden Unexplained Nocturnal Death Syndrome (SUNDS). Identifiers: Orphanet 130, MedGen C1142166, MONDO:0015263.

Allele frequency attached by ClinVar (database versions not stated): 1000 Genomes Project 30x 0.00016; 1000 Genomes Project 0.00020; ExAC 0.00041; gnomAD exomes 0.00055 and 0.00121; TOPMed 0.00055; gnomAD 0.00062 and 0.00066; ESP Exome Variant Server 0.00069.
gnomAD v4.1: 1,824 of 1,612,582 alleles (0.11%); highest among the groups gnomAD compares: Non-Finnish European, 0.15%; 2 homozygotes.

Submissions (2):

Labcorp Genetics (formerly Invitae), Labcorp
Classification: Likely benign for Brugada syndrome. Last evaluated: 2026-01-11. Review status: criteria provided, single submitter. Criteria: Invitae Variant Classification Sherloc (09022015). Collection method: clinical testing. Allele origin: germline.

PreventionGenetics, part of Exact Sciences
Classification: Likely benign for SLMAP-related condition. Last evaluated: 2025-06-17. Review status: criteria provided, single submitter. Criteria: ACMG Guidelines, 2015. Collection method: clinical testing. Allele origin: germline.
Comment: This variant is classified as likely benign based on ACMG/AMP sequence variant interpretation guidelines (Richards et al. 2015 PMID: 25741868, with internal and published modifications).

NM_001377540.1(SLMAP):c.1991A>G (p.Gln664Arg)

Gene: SLMAP (sarcolemma associated protein; plus strand). Cytogenetic location: 3p14.3.
Variant type: single nucleotide variant.
Coding change: c.1991A>G on transcript NM_001377540.1 (MANE Select); coding-DNA position 1991, A replaced by G.
Protein change: p.Gln664Arg; replaces glutamine 664 with arginine.
Molecular consequence: missense variant. On other transcripts: non-coding transcript variant (1).
Genome position (GRCh38, 1-based): chr3:57,912,672, A>G. VCF-style: chr3-57912672-A-G. GRCh37 (hg19) VCF-style: chr3-57898399-A-G.
Other names: c.1940A>G, p.Gln647Arg (NM_001304420.3, NM_001377541.1, NM_001377542.1); c.1826A>G, p.Gln609Arg (NM_001304421.2, NM_001377557.1, NM_001377559.1); c.542A>G, p.Gln181Arg (NM_001304422.3, NM_001311178.2); c.344A>G, p.Gln115Arg (NM_001304423.3); c.419A>G, p.Gln140Arg (NM_001311179.2, NM_001377927.1, NM_001377928.1 and 1 more transcripts); c.2012A>G, p.Gln671Arg (NM_001377538.1); c.1991A>G, p.Gln664Arg (NM_001377539.1); c.1928A>G, p.Gln643Arg (NM_001377545.1); and 8 more; short protein forms Q630R, Q115R, Q181R, Q140R, Q609R, Q647R, Q568R, Q585R.
Identifiers: ClinVar variation 463277 (VCV000463277.10), dbSNP rs35029175, ClinGen allele CA2467265.
Genomic context (GRCh38, chr3:57,912,672, plus strand): 5'-AGAAAGAAATCACAAGTCTGCAAAACAGTTTTCAGCTTAGATGTCAACAGTGTGAGGACC[A>G]GCAGAGAGAAGAAGCAACAAGGTTGCAAGGTGAATAAATGTATTTTACATAAAGCTGTTA-3'
Protein context (NP_001364469.1, residues 654-674): FQLRCQQCED[Gln664Arg]QREEATRLQG